The following is an entry in ClinVar:

NM_001797.4(CDH11):c.2262C>A (p.Ser754=)

Gene: CDH11 (cadherin 11; minus strand). Cytogenetic location: 16q21.
Variant type: single nucleotide variant.
Coding change: c.2262C>A on transcript NM_001797.4 (MANE Select); coding-DNA position 2262, C replaced by A.
Protein change: p.Ser754=; no amino-acid change (serine 754 retained).
Molecular consequence: synonymous variant. On other transcripts: 3 prime UTR variant (1).
Genome position (GRCh38, 1-based): chr16:64,947,732, G>T on the plus strand (C>A on the coding strand, the complement: CDH11 is on the minus strand). VCF-style: chr16-64947732-G-T. GRCh37 (hg19) VCF-style: chr16-64981635-G-T.
Other names: c.*359C>A (NM_001308392.2); c.1884C>A, p.Ser628= (NM_001330576.2).
Identifiers: ClinVar variation 4873224 (VCV004873224.2).

ClinVar aggregate classification (germline): Likely benign (1 of 4 stars; one submission).

Submission:

CeGaT Center for Human Genetics Tuebingen
Classification: Likely benign. Last evaluated: 2026-04-01. Review status: criteria provided, single submitter. Criteria: CeGaT Center For Human Genetics Tuebingen Variant Classification Criteria Version 2. Collection method: clinical testing. Allele origin: germline. Affected: yes. Observed: 1 variant allele.
Comment: CDH11: PM2:Supporting, BP4, BP7